The following is an entry in ClinVar:

ClinVar aggregate classification (germline): Conflicting classifications of pathogenicity. Review status: criteria provided, conflicting classifications (1 of 4 stars). 3 submissions from 3 submitters: Likely pathogenic (1); Uncertain significance (1). 1 of the submissions does not count toward it. Last evaluated 2024-01-24.

Conditions:
Insulin-dependent diabetes mellitus secretory diarrhea syndrome (IPEX). Also called: IPEX and IPEX-Like; Immunodeficiency, Polyendocrinopathy, and Enteropathy X-Linked Syndrome; X-Linked Syndrome of Polyendocrinopathy, Immune Dysfunction, and Diarrhea; DIABETES MELLITUS, CONGENITAL INSULIN-DEPENDENT, WITH FATAL SECRETORY DIARRHEA; DIARRHEA, POLYENDOCRINOPATHY, FATAL INFECTION SYNDROME, X-LINKED; ENTEROPATHY, AUTOIMMUNE, WITH HEMOLYTIC ANEMIA AND POLYENDOCRINOPATHY. Identifiers: Orphanet 37042, MedGen C0342288, MONDO:0010580, OMIM 304790. Disease mechanism: loss of function.

gnomAD v4.1: 2 of 1,206,044 alleles (0.00017%); highest among the groups gnomAD compares: Non-Finnish European, 0.00022%; no homozygotes.

Submissions (3):

Baylor Genetics
Classification: Likely pathogenic for Insulin-dependent diabetes mellitus secretory diarrhea syndrome. Last evaluated: 2024-01-24. Review status: criteria provided, single submitter. Criteria: ACMG Guidelines, 2015. Collection method: clinical testing. Allele origin: unknown.

Labcorp Genetics (formerly Invitae), Labcorp
Classification: Uncertain significance for Insulin-dependent diabetes mellitus secretory diarrhea syndrome. Last evaluated: 2023-11-15. Review status: criteria provided, single submitter. Criteria: Invitae Variant Classification Sherloc (09022015). Collection method: clinical testing. Allele origin: germline.
Comment: This sequence change replaces phenylalanine, which is neutral and non-polar, with leucine, which is neutral and non-polar, at codon 324 of the FOXP3 protein (p.Phe324Leu). This variant is not present in population databases (gnomAD no frequency). This missense change has been observed in individual(s) with clinical features of IPEX syndrome (PMID: 16741580, 21036387; Invitae). ClinVar contains an entry for this variant (Variation ID: 11416). Advanced modeling of protein sequence and biophysical properties (such as structural, functional, and spatial information, amino acid conservation, physicochemical variation, residue mobility, and thermodynamic stability) performed at Invitae indicates that this missense variant is not expected to disrupt FOXP3 protein function with a negative predictive value of 80%. Experimental studies have shown that this missense change does not substantially affect FOXP3 function (PMID: 16741580, 21036387). In summary, the available evidence is currently insufficient to determine the role of this variant in disease. Therefore, it has been classified as a Variant of Uncertain Significance.

OMIM
Classification: Pathogenic for IMMUNODYSREGULATION, POLYENDOCRINOPATHY, AND ENTEROPATHY, X-LINKED. Last evaluated: 2006-06-01. Review status: no assertion criteria provided. Collection method: literature only. Allele origin: germline. Not counted in ClinVar's aggregate classification.

Literature cited by the submitters: PubMed 16741580 (cited by Labcorp Genetics (formerly Invitae), Labcorp and OMIM); PubMed 21036387 (cited by Labcorp Genetics (formerly Invitae), Labcorp).

NM_014009.4(FOXP3):c.970T>C (p.Phe324Leu)

Gene: FOXP3 (forkhead box P3; minus strand). Cytogenetic location: Xp11.23.
Variant type: single nucleotide variant.
Coding change: c.970T>C on transcript NM_014009.4 (MANE Select); coding-DNA position 970, T replaced by C.
Protein change: p.Phe324Leu; replaces phenylalanine 324 with leucine.
Molecular consequence: missense variant.
Genome position (GRCh38, 1-based): chrX:49,253,200, A>G on the plus strand (T>C on the coding strand, the complement: FOXP3 is on the minus strand). VCF-style: chrX-49253200-A-G. GRCh37 (hg19) VCF-style: chrX-49109661-A-G.
Other names: F324K; c.865T>C, p.Phe289Leu (NM_001114377.2); short protein forms F289L, F324L.
Identifiers: ClinVar variation 11416 (VCV000011416.5), dbSNP rs122467173, ClinGen allele CA255868.